The following is an entry in ClinVar:

ClinVar aggregate classification (germline): Pathogenic (1 of 4 stars; one submission).

Submission:

GeneDx
Classification: Pathogenic. Last evaluated: 2019-03-04. Review status: criteria provided, single submitter. Criteria: GeneDx Variant Classification (06012015). Collection method: clinical testing. Allele origin: germline. Affected: yes.
Comment: The c.168_169delCA pathogenic variant in the DDX3X gene causes a frameshift starting with codon Aspartic acid 56, changes this amino acid to a Glutamic acid residue and creates a premature Stop codon at position 7 of the new reading frame, denoted p.Asp56GlufsX7. This pathogenic variant is predicted to cause loss of normal protein function either through protein truncation or nonsense-mediated mRNA decay. The c.168_169delCA variant is not observed in large population cohorts (Lek et al., 2016).

NM_001356.5(DDX3X):c.168_169del (p.Asp56fs)

Gene: DDX3X (DEAD-box helicase 3 X-linked; plus strand). Cytogenetic location: Xp11.4.
Variant type: Deletion.
Coding change: c.168_169del on transcript NM_001356.5 (MANE Select); coding-DNA positions 168 to 169, 2 bases deleted (CA; older notation c.168_169delCA).
Protein change: p.Asp56fs; shifts the reading frame from aspartic acid 56.
Molecular consequence: frameshift variant. On other transcripts: 5 prime UTR variant (1), non-coding transcript variant (1).
Genome position (GRCh38, 1-based): chrX:41,341,500-41,341,501, CA deleted; deleting any 2 consecutive bases within chrX:41,341,499-41,341,501 gives the same sequence; the c. name uses the placement nearest the transcript's 3' end. VCF-style (leftmost placement, unchanged base first): chrX-41341498-GAC-G. GRCh37 (hg19) VCF-style: chrX-41200751-GAC-G.
Other names: c.168_169del, p.Asp56fs (NM_001193416.3); c.120_121del, p.Asp40fs (NM_001193417.3); c.-391_-390del (NM_001363819.1); short protein forms D40fs, D56fs.
Identifiers: ClinVar variation 817485 (VCV000817485.1), dbSNP rs1602126956, ClinGen allele CA915950990.